The following is an entry in ClinVar:

NC_000002.12:g.156332819T>A

Gene: NR4A2 (nuclear receptor subfamily 4 group A member 2; minus strand). Cytogenetic location: 2q24.1.
Variant type: single nucleotide variant.
Genome position: GRCh38 VCF-style: chr2-156332819-T-A. GRCh37 (hg19) VCF-style: chr2-157189331-T-A.
Identifiers: ClinVar variation 3058074 (VCV003058074.2), dbSNP rs957572776, ClinGen allele CA59155451.

ClinVar aggregate classification (germline): Likely benign (0 of 4 stars; one submission).

Conditions:
NR4A2-related disorder. Also called: NR4A2-related condition.

Submission:

PreventionGenetics, part of Exact Sciences
Classification: Likely benign for NR4A2-related condition. Last evaluated: 2019-03-25. Review status: no assertion criteria provided. Collection method: clinical testing. Allele origin: germline.
Comment: This variant is classified as likely benign based on ACMG/AMP sequence variant interpretation guidelines (Richards et al. 2015 PMID: 25741868, with internal and published modifications).